The following is an entry in ClinVar:

NM_024077.5(SECISBP2):c.782C>T (p.Pro261Leu)

Gene: SECISBP2 (SECIS binding protein 2; plus strand). Cytogenetic location: 9q22.2.
Variant type: single nucleotide variant.
Coding change: c.782C>T on transcript NM_024077.5 (MANE Select); coding-DNA position 782, C replaced by T.
Protein change: p.Pro261Leu; replaces proline 261 with leucine.
Molecular consequence: missense variant. On other transcripts: 5 prime UTR variant (1).
Genome position (GRCh38, 1-based): chr9:89,328,867, C>T. VCF-style: chr9-89328867-C-T. GRCh37 (hg19) VCF-style: chr9-91943782-C-T.
Other names: c.779C>T, p.Pro260Leu (NM_001282688.2); c.563C>T, p.Pro188Leu (NM_001282689.2); c.578C>T, p.Pro193Leu (NM_001282690.1); c.782C>T, p.Pro261Leu (NM_001354696.2, NM_001354697.2, NM_001354698.2); c.-66C>T (NM_001354702.2); short protein forms P261L, P188L, P193L, P260L.
Identifiers: ClinVar variation 4997803 (VCV004997803.1).

ClinVar aggregate classification (germline): Uncertain significance (1 of 4 stars; one submission).

Conditions:
SECISBP2-related disorder. Also called: SECISBP2-related condition.

Submission:

PreventionGenetics, part of Exact Sciences
Classification: Uncertain significance for SECISBP2-related condition. Last evaluated: 2025-10-20. Review status: criteria provided, single submitter. Criteria: ACMG Guidelines, 2015. Collection method: clinical testing. Allele origin: germline.
Comment: The SECISBP2 c.782C>T variant is predicted to result in the amino acid substitution p.Pro261Leu. To our knowledge, this variant has not been reported in the literature. This variant is absent in a large population database (gnomAD), indicating this variant is rare. At this time, the clinical significance of this variant is uncertain due to the absence of conclusive functional and genetic evidence.